The following is an entry in ClinVar:

NM_007327.4(GRIN1):c.1380C>T (p.Ile460=)

Gene: GRIN1 (glutamate ionotropic receptor NMDA type subunit 1; plus strand). Cytogenetic location: 9q34.3.
Variant type: single nucleotide variant.
Coding change: c.1380C>T on transcript NM_007327.4 (MANE Select); coding-DNA position 1380, C replaced by T.
Protein change: p.Ile460=; no amino-acid change (isoleucine 460 retained).
Molecular consequence: synonymous variant.
Genome position (GRCh38, 1-based): chr9:137,161,329, C>T. VCF-style: chr9-137161329-C-T. GRCh37 (hg19) VCF-style: chr9-140055781-C-T.
Other names: c.1380C>T, p.Ile460= (NM_000832.7, NM_021569.4); c.1443C>T, p.Ile481= (NM_001185090.2, NM_001185091.2).
Identifiers: ClinVar variation 1944807 (VCV001944807.28), dbSNP rs1833530047, ClinGen allele CA467776104.
Genomic context (GRCh38, chr9:137,161,329, plus strand): 5'-TACCGCCCGCACCTACCCAGCCCGCCACACGGTGCCTCAGTGTTGCTACGGCTTTTGCAT[C>T]GACCTGCTCATCAAGCTGGCACGGACCATGAACTTCACCTACGAGGTGCACCTGGTGGCA-3'
Protein context (NP_015566.1, residues 450-470): TVPQCCYGFC[Ile460=]DLLIKLARTM

ClinVar aggregate classification (germline): Likely benign. Review status: criteria provided, multiple submitters, no conflicts (2 of 4 stars). 2 submissions from 2 submitters: Likely benign (2). Last evaluated 2024-05-26.

Conditions:
Neurodevelopmental disorder with or without hyperkinetic movements and seizures, autosomal dominant. Also called: Intellectual disability, autosomal dominant 8. Identifiers: MedGen C3280282, MONDO:0013655, OMIM 614254.

Allele frequency attached by ClinVar (database versions not stated): gnomAD exomes below 0.00001; TOPMed below 0.00001.
gnomAD v4.1: 4 of 1,612,662 alleles (0.00025%); highest among the groups gnomAD compares: Non-Finnish European, 0.00034%; no homozygotes.

Submissions (2):

Labcorp Genetics (formerly Invitae), Labcorp
Classification: Likely benign for Neurodevelopmental disorder with or without hyperkinetic movements and seizures, autosomal dominant. Last evaluated: 2024-05-26. Review status: criteria provided, single submitter. Criteria: Invitae Variant Classification Sherloc (09022015). Collection method: clinical testing. Allele origin: germline.

CeGaT Center for Human Genetics Tuebingen
Classification: Likely benign. Last evaluated: 2023-04-01. Review status: criteria provided, single submitter. Criteria: CeGaT Center For Human Genetics Tuebingen Variant Classification Criteria Version 2. Collection method: clinical testing. Allele origin: germline. Affected: yes. Observed: 1 variant allele.
Comment: GRIN1: PM2:Supporting, BP4, BP7